The following is an entry in ClinVar:

NM_052955.3(TGM7):c.1287C>T (p.Ile429=)

Gene: TGM7 (transglutaminase 7; minus strand). Cytogenetic location: 15q15.2.
Variant type: single nucleotide variant.
Coding change: c.1287C>T on transcript NM_052955.3 (MANE Select); coding-DNA position 1287, C replaced by T.
Protein change: p.Ile429=; no amino-acid change (isoleucine 429 retained).
Molecular consequence: synonymous variant.
Genome position (GRCh38, 1-based): chr15:43,281,908, G>A on the plus strand (C>T on the coding strand, the complement: TGM7 is on the minus strand). VCF-style: chr15-43281908-G-A. GRCh37 (hg19) VCF-style: chr15-43574106-G-A.
Identifiers: ClinVar variation 2645271 (VCV002645271.24), dbSNP rs1425455710, ClinGen allele CA490315842.
Genomic context (GRCh38, chr15:43,281,908, plus strand): 5'-TGGGTACTTGTAGGAGCTGGTGATGCTCTGGCGCTGGTCTGACCCCACCATCTTAGTGCT[G>A]ATCTCCTTCCCGATGGAACTGGTGTTGTGGGCCAGGATTTCCTGGGCCTGGCCATCCCCA-3'
Protein context (NP_443187.1, residues 419-439): AHNTSSIGKE[Ile429=]STKMVGSDQR

ClinVar aggregate classification (germline): Likely benign (1 of 4 stars; one submission).

Allele frequency attached by ClinVar (database versions not stated): gnomAD exomes below 0.00001; TOPMed below 0.00001.
gnomAD v4.1: 3 of 1,614,244 alleles (0.00019%); highest among the groups gnomAD compares: Non-Finnish European, 0.00025%; no homozygotes.

Submission:

CeGaT Center for Human Genetics Tuebingen
Classification: Likely benign. Last evaluated: 2022-03-01. Review status: criteria provided, single submitter. Criteria: CeGaT Center For Human Genetics Tuebingen Variant Classification Criteria Version 2. Collection method: clinical testing. Allele origin: germline. Affected: yes. Observed: 1 variant allele.
Comment: TGM7: PM2:Supporting, BP4, BP7